The following is an entry in ClinVar:

NM_001036.6(RYR3):c.1146+3G>A

Gene: RYR3 (ryanodine receptor 3; plus strand). Cytogenetic location: 15q14.
Variant type: single nucleotide variant.
Coding change: c.1146+3G>A on transcript NM_001036.6 (MANE Select); 3 bases into the intron after coding-DNA position 1146, G replaced by A.
Molecular consequence: intron variant.
Genome position (GRCh38, 1-based): chr15:33,563,013, G>A. VCF-style: chr15-33563013-G-A. GRCh37 (hg19) VCF-style: chr15-33855214-G-A.
Other names: c.1146+3G>A (NM_001243996.4).
Identifiers: ClinVar variation 855692 (VCV000855692.7), dbSNP rs192358229, ClinGen allele CA617151685.

ClinVar aggregate classification (germline): Uncertain significance (1 of 4 stars; one submission).

Conditions:
Epileptic encephalopathy. Identifiers: MedGen C0543888, HP:0200134.

Allele frequency attached by ClinVar (database versions not stated): TOPMed 0.00001.
gnomAD v4.1: 9 of 1,606,720 alleles (0.00056%); highest among the groups gnomAD compares: Admixed American, 0.015%; no homozygotes.

Submission:

Labcorp Genetics (formerly Invitae), Labcorp
Classification: Uncertain significance for Epileptic encephalopathy. Last evaluated: 2020-12-10. Review status: criteria provided, single submitter. Criteria: Invitae Variant Classification Sherloc (09022015). Collection method: clinical testing. Allele origin: germline.
Comment: In summary, the available evidence is currently insufficient to determine the role of this variant in disease. Therefore, it has been classified as a Variant of Uncertain Significance. Nucleotide substitutions within the consensus splice site are a relatively common cause of aberrant splicing (PMID: 17576681, 9536098). Algorithms developed to predict the effect of sequence changes on RNA splicing suggest that this variant is not likely to affect RNA splicing, but this prediction has not been confirmed by published transcriptional studies. This variant has not been reported in the literature in individuals with RYR3-related conditions. This variant is not present in population databases (ExAC no frequency). This sequence change falls in intron 11 of the RYR3 gene. It does not directly change the encoded amino acid sequence of the RYR3 protein, but it affects a nucleotide within the consensus splice site of the intron.

Literature cited by the submitters: PubMed 17576681; PubMed 9536098.